The following is an entry in ClinVar:

NM_130837.3(OPA1):c.283A>G (p.Thr95Ala)

Gene: OPA1 (OPA1 mitochondrial dynamin like GTPase; plus strand). Cytogenetic location: 3q29.
Variant type: single nucleotide variant.
Coding change: c.283A>G on transcript NM_130837.3 (MANE Select); coding-DNA position 283, A replaced by G.
Protein change: p.Thr95Ala; replaces threonine 95 with alanine.
Molecular consequence: missense variant. On other transcripts: 5 prime UTR variant (2).
Genome position (GRCh38, 1-based): chr3:193,614,973, A>G. VCF-style: chr3-193614973-A-G. GRCh37 (hg19) VCF-style: chr3-193332762-A-G.
Other names: c.-90A>G (NM_001354663.2, NM_001354664.2); c.283A>G, p.Thr95Ala (NM_015560.3, NM_130831.3, NM_130832.3 and 4 more transcripts); short protein forms T95A.
Identifiers: ClinVar variation 2009193 (VCV002009193.5), dbSNP rs2474577588, ClinGen allele CA355786884.

ClinVar aggregate classification (germline): Uncertain significance. Review status: criteria provided, multiple submitters, no conflicts (2 of 4 stars). 2 submissions from 2 submitters: Uncertain significance (2). Last evaluated 2023-08-03.

Allele frequency attached by ClinVar (database versions not stated): gnomAD exomes below 0.00001.
gnomAD v4.1: 1 of 1,614,226 alleles (0.000062%); highest among the groups gnomAD compares: South Asian, 0.0011%; no homozygotes.

Submissions (2):

GeneDx
Classification: Uncertain significance. Last evaluated: 2023-08-03. Review status: criteria provided, single submitter. Criteria: GeneDx Variant Classification Process June 2021. Collection method: clinical testing. Allele origin: germline. Affected: yes.
Comment: Not observed at significant frequency in large population cohorts (gnomAD); In silico analysis supports that this missense variant does not alter protein structure/function; Has not been previously published as pathogenic or benign to our knowledge

Labcorp Genetics (formerly Invitae), Labcorp
Classification: Uncertain significance. Last evaluated: 2022-10-08. Review status: criteria provided, single submitter. Criteria: Invitae Variant Classification Sherloc (09022015). Collection method: clinical testing. Allele origin: germline.
Comment: This variant has not been reported in the literature in individuals affected with OPA1-related conditions. This variant is not present in population databases (gnomAD no frequency). This sequence change replaces threonine, which is neutral and polar, with alanine, which is neutral and non-polar, at codon 95 of the OPA1 protein (p.Thr95Ala). In summary, the available evidence is currently insufficient to determine the role of this variant in disease. Therefore, it has been classified as a Variant of Uncertain Significance. Advanced modeling of protein sequence and biophysical properties (such as structural, functional, and spatial information, amino acid conservation, physicochemical variation, residue mobility, and thermodynamic stability) performed at Invitae indicates that this missense variant is not expected to disrupt OPA1 protein function.